The following is an entry in ClinVar:

NM_001621.5(AHR):c.132T>C (p.Asn44=)

Gene: AHR (aryl hydrocarbon receptor; plus strand). Cytogenetic location: 7p21.1.
Variant type: single nucleotide variant.
Coding change: c.132T>C on transcript NM_001621.5 (MANE Select); coding-DNA position 132, T replaced by C.
Protein change: p.Asn44=; no amino-acid change (asparagine 44 retained).
Molecular consequence: synonymous variant.
Genome position (GRCh38, 1-based): chr7:17,310,002, T>C. VCF-style: chr7-17310002-T-C. GRCh37 (hg19) VCF-style: chr7-17349626-T-C.
Other names: c.132T>C (NM_001621.4).
Identifiers: ClinVar variation 1166758 (VCV001166758.11), dbSNP rs17779352, ClinGen allele CA4171731.
Genomic context (GRCh38, chr7:17,310,002, plus strand): 5'-GCCAATCCCAGCTGAAGGAATCAAGTCAAATCCTTCCAAGCGGCATAGAGACCGACTTAA[T>C]ACAGAGTTGGACCGTTTGGCTAGCCTGCTGCCTTTCCCACAAGATGTTATTAATAAGTTG-3'
Protein context (NP_001612.1, residues 34-54): NPSKRHRDRL[Asn44=]TELDRLASLL

ClinVar aggregate classification (germline): Benign. Review status: criteria provided, single submitter (1 of 4 stars). 2 submissions from 2 submitters: Benign (1). 1 of the submissions does not count toward it. Last evaluated 2026-02-02.

Conditions:
AHR-related disorder. Also called: AHR-related condition.

Allele frequency attached by ClinVar (database versions not stated): TOPMed 0.05633; 1000 Genomes Project 0.05252; ExAC 0.07806; 1000 Genomes Project 30x 0.05278; ESP Exome Variant Server 0.06935; gnomAD exomes 0.07706 and 0.08209; gnomAD 0.06704 and 0.06762.
gnomAD v4.1: 129,719 of 1,613,268 alleles (8%); highest among the groups gnomAD compares: South Asian, 11%; 5,833 homozygotes.

Submissions (2):

Labcorp Genetics (formerly Invitae), Labcorp
Classification: Benign. Last evaluated: 2026-02-02. Review status: criteria provided, single submitter. Criteria: Invitae Variant Classification Sherloc (09022015). Collection method: clinical testing. Allele origin: germline.

PreventionGenetics, part of Exact Sciences
Classification: Benign for AHR-related condition. Last evaluated: 2019-07-11. Review status: no assertion criteria provided. Collection method: clinical testing. Allele origin: germline. Not counted in ClinVar's aggregate classification.
Comment: This variant is classified as benign based on ACMG/AMP sequence variant interpretation guidelines (Richards et al. 2015 PMID: 25741868, with internal and published modifications).